The following is an entry in ClinVar:

ClinVar aggregate classification (germline): Pathogenic (1 of 4 stars; one submission).

Conditions:
DAG1-related disorder. Also called: DAG1-related condition.

Submission:

Greenwood Genetic Center Diagnostic Laboratories, Greenwood Genetic Center
Classification: Pathogenic for DAG1-related disorder. Last evaluated: 2024-11-05. Review status: criteria provided, single submitter. Criteria: ACMG Guidelines, 2015. Collection method: clinical testing. Allele origin: germline. Affected: yes.
Comment: PVS1_Strong, PS2, PM2

NM_004393.6(DAG1):c.915del (p.Leu306fs)

Gene: DAG1 (dystroglycan 1; plus strand). Cytogenetic location: 3p21.31.
Variant type: Deletion.
Coding change: c.915del on transcript NM_004393.6 (MANE Select); coding-DNA position 915, one base deleted (T; older notation c.915delT).
Protein change: p.Leu306fs; shifts the reading frame from leucine 306.
Molecular consequence: frameshift variant.
Genome position (GRCh38, 1-based): chr3:49,531,426, T deleted. VCF-style (leftmost placement, unchanged base first): chr3-49531425-CT-C. GRCh37 (hg19) VCF-style: chr3-49568858-CT-C.
Other names: c.915del, p.Leu306fs (NM_001165928.4, NM_001177634.3, NM_001177635.3 and 9 more transcripts); short protein forms L306fs.
Identifiers: ClinVar variation 3765747 (VCV003765747.1).